The following is an entry in ClinVar:

NM_022166.4(XYLT1):c.1510G>T (p.Glu504Ter)

Gene: XYLT1 (xylosyltransferase 1; minus strand). Cytogenetic location: 16p12.3.
Variant type: single nucleotide variant.
Coding change: c.1510G>T on transcript NM_022166.4 (MANE Select); coding-DNA position 1510, G replaced by T.
Protein change: p.Glu504Ter; replaces glutamic acid 504 with a stop codon.
Molecular consequence: nonsense.
Genome position (GRCh38, 1-based): chr16:17,141,230, C>A on the plus strand (G>T on the coding strand, the complement: XYLT1 is on the minus strand). VCF-style: chr16-17141230-C-A. GRCh37 (hg19) VCF-style: chr16-17235087-C-A.
Other names: short protein forms E504*.
Identifiers: ClinVar variation 2794457 (VCV002794457.3), dbSNP rs2506186149, ClinGen allele CA394876773.
Genomic context (GRCh38, chr16:17,141,230, plus strand): 5'-TGTAGGAGTAGAACTGTTTCATCTTGGTCACCAGATCGTCTGTGGAGAAGGTCACATATT[C>A]TACAAACCTCCGGTTCAGCAGGAACCAGTCCGAACCGCCATCCACGGCAATGCCCTCTGG-3'

ClinVar aggregate classification (germline): Pathogenic (1 of 4 stars; one submission).

Conditions:
Desbuquois dysplasia 1 (DBQD1). Also called: MICROMELIC DWARFISM WITH VERTEBRAL AND METAPHYSEAL ABNORMALITIES AND ADVANCED CARPOTARSAL OSSIFICATION; DESBUQUOIS DYSPLASIA 1, KIM VARIANT. Identifiers: Orphanet 1425, MedGen C4012146, MONDO:0009629, OMIM 251450.

Submission:

Labcorp Genetics (formerly Invitae), Labcorp
Classification: Pathogenic for Desbuquois dysplasia 1. Last evaluated: 2023-12-22. Review status: criteria provided, single submitter. Criteria: Invitae Variant Classification Sherloc (09022015). Collection method: clinical testing. Allele origin: germline.
Comment: This sequence change creates a premature translational stop signal (p.Glu504*) in the XYLT1 gene. It is expected to result in an absent or disrupted protein product. Loss-of-function variants in XYLT1 are known to be pathogenic (PMID: 24581741, 26601923). This variant is not present in population databases (gnomAD no frequency). This variant has not been reported in the literature in individuals affected with XYLT1-related conditions. Algorithms developed to predict the effect of sequence changes on RNA splicing suggest that this variant may create or strengthen a splice site. For these reasons, this variant has been classified as Pathogenic.

Literature cited by the submitters: PubMed 24581741; PubMed 26601923.